The following is an entry in ClinVar:

ClinVar aggregate classification (germline): Uncertain significance. Review status: criteria provided, multiple submitters, no conflicts (2 of 4 stars). 4 submissions from 3 submitters: Uncertain significance (4). Last evaluated 2023-08-31.

Conditions:
Inborn genetic diseases. Identifiers: MedGen C0950123, MeSH D030342.
Bethlem myopathy 1A. Also called: MYOPATHY, BENIGN CONGENITAL, WITH CONTRACTURES; Bethlem myopathy 1; Bethlem Muscular Dystrophy. Identifiers: Orphanet 610, MedGen CN029274, MONDO:0024530, OMIM 158810.
Collagen 6-related myopathy. Identifiers: MedGen CN117976, MONDO:0100225.

Allele frequency attached by ClinVar (database versions not stated): gnomAD exomes below 0.00001 and 0.00001; ExAC 0.00001.
gnomAD v4.1: 7 of 1,613,490 alleles (0.00043%); highest among the groups gnomAD compares: East Asian, 0.0022%; no homozygotes.

Submissions (4):

Labcorp Genetics (formerly Invitae), Labcorp
Classification: Uncertain significance for Bethlem myopathy 1A. Last evaluated: 2023-08-31. Review status: criteria provided, single submitter. Criteria: Invitae Variant Classification Sherloc (09022015). Collection method: clinical testing. Allele origin: germline.
Comment: In summary, the available evidence is currently insufficient to determine the role of this variant in disease. Therefore, it has been classified as a Variant of Uncertain Significance. This sequence change replaces glycine, which is neutral and non-polar, with serine, which is neutral and polar, at codon 419 of the COL6A1 protein (p.Gly419Ser). This variant is present in population databases (rs745485695, gnomAD 0.003%). This missense change has been observed in individual(s) with autosomal dominant Bethlem myopathy (PMID: 34167565). ClinVar contains an entry for this variant (Variation ID: 520642). Advanced modeling of protein sequence and biophysical properties (such as structural, functional, and spatial information, amino acid conservation, physicochemical variation, residue mobility, and thermodynamic stability) performed at Invitae indicates that this missense variant is expected to disrupt COL6A1 protein function. This variant disrupts the triple helix domain of COL6A1. Glycine residues within the Gly-Xaa-Yaa repeats of the triple helix domain are required for the structure and stability of fibrillar collagens (PMID: 7695699, 8218237, 19344236). In COL6A1, variants at these glycine residues are significantly enriched in individuals with autosomal dominant disease (PMID: 15689448, 24038877) compared to the general population (ExAC).

Genomic Research Center, Shahid Beheshti University of Medical Sciences
Classification: Uncertain significance for Collagen VI-related myopathy. Last evaluated: 2018-08-07. Review status: criteria provided, single submitter. Criteria: ACMG Guidelines, 2015. Collection method: clinical testing. Allele origin: inherited. Affected: no. Observed: 1 variant allele.

Genomic Research Center, Shahid Beheshti University of Medical Sciences
Classification: Uncertain significance for Bethlem myopathy 1. Last evaluated: 2018-08-07. Review status: criteria provided, single submitter. Criteria: ACMG Guidelines, 2015. Collection method: clinical testing. Allele origin: inherited. Affected: no. Observed: 1 variant allele.

Ambry Genetics
Classification: Uncertain significance for Inborn genetic diseases. Last evaluated: 2015-10-26. Review status: criteria provided, single submitter. Criteria: Ambry exome assertion method (8-5-2015). Collection method: clinical testing. Allele origin: germline. Affected: yes. Observed: 1 variant allele.

Literature cited by the submitters: PubMed 34167565 (cited by Labcorp Genetics (formerly Invitae), Labcorp); PubMed 7695699 (cited by Labcorp Genetics (formerly Invitae), Labcorp); PubMed 8218237 (cited by Labcorp Genetics (formerly Invitae), Labcorp); PubMed 19344236 (cited by Labcorp Genetics (formerly Invitae), Labcorp); PubMed 15689448 (cited by Labcorp Genetics (formerly Invitae), Labcorp); PubMed 24038877 (cited by Labcorp Genetics (formerly Invitae), Labcorp).

NM_001848.3(COL6A1):c.1255G>A (p.Gly419Ser)

Gene: COL6A1 (collagen type VI alpha 1 chain; plus strand). Cytogenetic location: 21q22.3.
Variant type: single nucleotide variant.
Coding change: c.1255G>A on transcript NM_001848.3 (MANE Select); coding-DNA position 1255, G replaced by A.
Protein change: p.Gly419Ser; replaces glycine 419 with serine.
Molecular consequence: missense variant.
Genome position (GRCh38, 1-based): chr21:45,992,381, G>A. VCF-style: chr21-45992381-G-A. GRCh37 (hg19) VCF-style: chr21-47412295-G-A.
Other names: short protein forms G419S.
Identifiers: ClinVar variation 520642 (VCV000520642.11), dbSNP rs745485695, ClinGen allele CA10070196.